The following is an entry in ClinVar:

ClinVar aggregate classification (germline): Pathogenic (0 of 4 stars; one submission).

Conditions:
Autism (AUTS). Also called: Autistic disorder; Autistic disorder of childhood onset. Identifiers: MedGen C0004352, MeSH D001321, MONDO:0005260, OMIM 209850, HP:0000717.

Submission:

Centre for Addiction & Mental Health
Classification: Pathogenic for Autism. Review status: no assertion criteria provided. Collection method: research. Allele origin: biparental. Affected: yes. Observed: 1 homozygote. Segregation with disease observed.
Comment: Biallelic loss-of-function variant in known disease gene

NM_021008.4(DEAF1):c.1112dup (p.Ala372fs)

Gene: DEAF1 (DEAF1 transcription factor; minus strand). Cytogenetic location: 11p15.5.
Variant type: Duplication.
Coding change: c.1112dup on transcript NM_021008.4 (MANE Select); coding-DNA position 1112, one base duplicated (T; older notation c.1112dupT).
Protein change: p.Ala372fs; shifts the reading frame from alanine 372.
Molecular consequence: frameshift variant.
Genome position (GRCh38, 1-based): chr11:679,702, A duplicated on the plus strand (T on the coding strand, the reverse complement: DEAF1 is on the minus strand); the first of 2 consecutive A bases (chr11:679,702-679,703); duplicating either gives the same sequence. VCF-style (leftmost placement, unchanged base first): chr11-679701-G-GA. GRCh37 (hg19) VCF-style: chr11-679701-G-GA.
Other names: c.844dup, p.Ala283Argfs (NM_001293634.2); c.386dup, p.Ala130fs (NM_001367390.1); c.845dupT (NM_001293634.1); short protein forms A130fs, A283fs, A372fs.
Identifiers: ClinVar variation 3338204 (VCV003338204.2).